The following is an entry in ClinVar:

NM_001042492.3(NF1):c.5610-15T>G

Gene: NF1 (neurofibromin 1; plus strand). Cytogenetic location: 17q11.2.
Variant type: single nucleotide variant.
Coding change: c.5610-15T>G on transcript NM_001042492.3 (MANE Select); 15 bases into the intron before coding-DNA position 5610, T replaced by G.
Molecular consequence: intron variant.
Genome position (GRCh38, 1-based): chr17:31,330,281, T>G. VCF-style: chr17-31330281-T-G. GRCh37 (hg19) VCF-style: chr17-29657299-T-G.
Other names: c.5547-15T>G (NM_000267.4).
Identifiers: ClinVar variation 2705247 (VCV002705247.3), dbSNP rs2151544345, ClinGen allele CA2697559543.
Genomic context (GRCh38, chr17:31,330,281, plus strand): 5'-TGTATGTTATGAAAAAATTTTGGAACTATAAGGAAAAATACGTTTTAAAACAACTTCATT[T>G]GTGTTTTCTCCTAGGTCAGCTGCCTATAATCTTCTGTGTGCCTTAACTTGTACCTTTAAT-3'

ClinVar aggregate classification (germline): Uncertain significance (1 of 4 stars; one submission).

Conditions:
Neurofibromatosis, type 1 (NF1). Also called: Peripheral type neurofibromatosis; VON RECKLINGHAUSEN DISEASE; NEUROFIBROMATOSIS, TYPE I, SOMATIC; Neurofibromatosis, type I. Identifiers: Orphanet 636, MedGen C0027831, MONDO:0018975, OMIM 162200. Disease mechanism: loss of function.

Submission:

Labcorp Genetics (formerly Invitae), Labcorp
Classification: Uncertain significance for Neurofibromatosis, type 1. Last evaluated: 2023-12-24. Review status: criteria provided, single submitter. Criteria: Invitae Variant Classification Sherloc (09022015). Collection method: clinical testing. Allele origin: germline.
Comment: This sequence change falls in intron 37 of the NF1 gene. It does not directly change the encoded amino acid sequence of the NF1 protein. This variant is not present in population databases (gnomAD no frequency). This variant has not been reported in the literature in individuals affected with NF1-related conditions. Algorithms developed to predict the effect of sequence changes on RNA splicing suggest that this variant may disrupt the consensus splice site. In summary, the available evidence is currently insufficient to determine the role of this variant in disease. Therefore, it has been classified as a Variant of Uncertain Significance.